The following is an entry in ClinVar:

NM_014262.5(P3H3):c.1503C>T (p.Arg501=)

Gene: P3H3 (prolyl 3-hydroxylase 3; plus strand). Cytogenetic location: 12p13.31.
Variant type: single nucleotide variant.
Coding change: c.1503C>T on transcript NM_014262.5 (MANE Select); coding-DNA position 1503, C replaced by T.
Protein change: p.Arg501=; no amino-acid change (arginine 501 retained).
Molecular consequence: synonymous variant.
Genome position (GRCh38, 1-based): chr12:6,837,029, C>T. VCF-style: chr12-6837029-C-T. GRCh37 (hg19) VCF-style: chr12-6946193-C-T.
Identifiers: ClinVar variation 3905224 (VCV003905224.10).

ClinVar aggregate classification (germline): Likely benign (1 of 4 stars; one submission).

gnomAD v4.1: 265 of 1,609,144 alleles (0.016%); highest among the groups gnomAD compares: South Asian, 0.28%; 8 homozygotes.

Submission:

CeGaT Center for Human Genetics Tuebingen
Classification: Likely benign. Last evaluated: 2025-06-01. Review status: criteria provided, single submitter. Criteria: CeGaT Center For Human Genetics Tuebingen Variant Classification Criteria Version 2. Collection method: clinical testing. Allele origin: germline. Affected: yes. Observed: 1 variant allele.
Comment: P3H3: BP4, BP7